The following is an entry in ClinVar:

NC_000021.8:g.(?_36164426)_(36171765_?)del

Gene: RUNX1 (RUNX family transcription factor 1; minus strand). Cytogenetic location: 21q22.12.
Variant type: Deletion.
Identifiers: ClinVar variation 1075910 (VCV001075910.7).

ClinVar aggregate classification (germline): Pathogenic (1 of 4 stars; one submission).

Conditions:
Hereditary thrombocytopenia and hematological cancer predisposition syndrome associated with RUNX1. Also called: PLATELET DISORDER, ASPIRIN-LIKE; RUNX1 Familial Platelet Disorder with Associated Myeloid Malignancies; Familial Platelet Disorder with Propensity to Acute Myelogenous Leukemia; Familial thrombocytopenia with propensity to acute myelogenous leukemia. Identifiers: Orphanet 71290, MedGen C1832388, MeSH C563324, MONDO:0100083, OMIM 601399.

Submission:

Labcorp Genetics (formerly Invitae), Labcorp
Classification: Pathogenic for Hereditary thrombocytopenia and hematological cancer predisposition syndrome associated with RUNX1. Last evaluated: 2020-06-07. Review status: criteria provided, single submitter. Criteria: Invitae Variant Classification Sherloc (09022015). Collection method: clinical testing. Allele origin: germline.
Comment: For these reasons, this variant has been classified as Pathogenic. Loss-of-function variants in RUNX1 are known to be pathogenic (PMID: 18723428, 24100448). This variant is expected to result in the deletion of 212 amino acids of the RUNX1 protein (Asp269-Tyr480). While this is not anticipated to result in nonsense mediated decay, it is expected to result in the loss of the transcriptional activation domain (amino acid residues 318-398), DNA-binding inhibitory domain (residues 398-438), and VWRPY domain (residues 476-480) of the RUNX1 protein (PMID: 22689681, 23753029). Loss of these three domains from the mouse Runx1 protein has been shown to result in defects in thymocyte development (PMID: 15749889, 14504086). A similar gross deletion has not been reported in the literature in individuals with RUNX1-related disease. This variant is a gross deletion of the genomic region encompassing exons 8-9 of the RUNX1 gene. The 5' boundary is likely confined to intron 7. The 3' end of this event is unknown as it extends through the termination codon beyond the assayed region for this gene and may encompass additional genes. While this deletion is not anticipated to result in nonsense mediated decay, it is expected to create a truncated protein product or disrupt mRNA translation.

Literature cited by the submitters: PubMed 18723428; PubMed 24100448; PubMed 22689681; PubMed 23753029; PubMed 15749889; PubMed 14504086.